The following is an entry in ClinVar:

NM_006509.4(RELB):c.1562C>G (p.Ala521Gly)

Gene: RELB (RELB proto-oncogene, NF-kB subunit; plus strand). Cytogenetic location: 19q13.32.
Variant type: single nucleotide variant.
Coding change: c.1562C>G on transcript NM_006509.4 (MANE Select); coding-DNA position 1562, C replaced by G.
Protein change: p.Ala521Gly; replaces alanine 521 with glycine.
Molecular consequence: missense variant.
Genome position (GRCh38, 1-based): chr19:45,037,612, C>G. VCF-style: chr19-45037612-C-G. GRCh37 (hg19) VCF-style: chr19-45540870-C-G.
Other names: c.1553C>G, p.Ala518Gly (NM_001411087.1); short protein forms A521G, A518G.
Identifiers: ClinVar variation 1975940 (VCV001975940.5), dbSNP rs778032097, ClinGen allele CA406309774.
Genomic context (GRCh38, chr19:45,037,612, plus strand): 5'-TGCTGGACCTGCTGCCCCCGGCACCGCCACACGCTAGCGCTGTTGTGTGCAGCGGAGGTG[C>G]CGGGGCCGTGGTTGGGGAGACCCCCGGCCCTGAACCACTGACACTGGACTCGTACCAGGC-3'
Protein context (NP_006500.2, residues 511-531): HASAVVCSGG[Ala521Gly]GAVVGETPGP

ClinVar aggregate classification (germline): Uncertain significance (1 of 4 stars; one submission).

Submission:

Labcorp Genetics (formerly Invitae), Labcorp
Classification: Uncertain significance. Last evaluated: 2024-10-24. Review status: criteria provided, single submitter. Criteria: Invitae Variant Classification Sherloc (09022015). Collection method: clinical testing. Allele origin: germline.
Comment: This sequence change replaces alanine, which is neutral and non-polar, with glycine, which is neutral and non-polar, at codon 521 of the RELB protein (p.Ala521Gly). This variant is not present in population databases (gnomAD no frequency). This variant has not been reported in the literature in individuals affected with RELB-related conditions. ClinVar contains an entry for this variant (Variation ID: 1975940). An algorithm developed to predict the effect of missense changes on protein structure and function (PolyPhen-2) suggests that this variant is likely to be tolerated. In summary, the available evidence is currently insufficient to determine the role of this variant in disease. Therefore, it has been classified as a Variant of Uncertain Significance.